The following is an entry in ClinVar:

NM_004333.6(BRAF):c.2126A>G (p.Gln709Arg)

Gene: BRAF (B-Raf proto-oncogene, serine/threonine kinase; minus strand). Cytogenetic location: 7q34.
Variant type: single nucleotide variant.
Coding change: c.2126A>G on transcript NM_004333.6 (MANE Select); coding-DNA position 2126, A replaced by G.
Protein change: p.Gln709Arg; replaces glutamine 709 with arginine.
Molecular consequence: missense variant.
Genome position (GRCh38, 1-based): chr7:140,739,813, T>C on the plus strand (A>G on the coding strand, the complement: BRAF is on the minus strand). VCF-style: chr7-140739813-T-C. GRCh37 (hg19) VCF-style: chr7-140439613-T-C.
Other names: c.2126A>G, p.Gln709Arg (NM_001354609.2, NM_001378468.1, NM_001378474.1); c.2246A>G, p.Gln749Arg (NM_001374244.1, NM_001374258.1); c.2135A>G, p.Gln712Arg (NM_001378467.1); c.2060A>G, p.Gln687Arg (NM_001378469.1); c.2024A>G, p.Gln675Arg (NM_001378470.1); c.2015A>G, p.Gln672Arg (NM_001378471.1); c.1970A>G, p.Gln657Arg (NM_001378472.1, NM_001378473.1); c.1862A>G, p.Gln621Arg (NM_001378475.1); short protein forms Q709R, Q621R, Q657R, Q672R, Q675R, Q687R, Q712R, Q749R.
Identifiers: ClinVar variation 3572914 (VCV003572914.1), dbSNP rs397507486.

ClinVar aggregate classification (germline): Pathogenic (1 of 4 stars; one submission).

Conditions:
Cardiofaciocutaneous syndrome 1 (CFC1). Also called: BRAF-Related Cardiofaciocutaneous Syndrome; MAP2K1-Related Cardiofaciocutaneous Syndrome; KRAS-Related Cardiofaciocutaneous Syndrome; MAP2K2-Related Cardiofaciocutaneous Syndrome. Identifiers: Orphanet 1340, MedGen CN029449, MONDO:0007265, OMIM 115150. Disease mechanism: gain of function.

Submission:

Institute of Human Genetics, University of Goettingen
Classification: Pathogenic for Cardiofaciocutaneous syndrome 1. Review status: criteria provided, single submitter. Criteria: ACMG Guidelines, 2015. Collection method: clinical testing. Allele origin: de novo. Inheritance: Autosomal dominant inheritance. Affected: yes. Observed: 1 heterozygote.
Comment: PS2: de novo PS4 (HGMD: CM092085; PMIDs: 19206169, 37697822, 33482860, etc) PM2_sup: absent from control PM5: another aminoacid substitution is pathogenic as well (ClinVar ID 1210729) PP2, PP3 (REVEL 0.807)